The following is an entry in ClinVar:

NM_006516.4(SLC2A1):c.305T>C (p.Leu102Pro)

Gene: SLC2A1 (solute carrier family 2 member 1; minus strand). Cytogenetic location: 1p34.2.
Variant type: single nucleotide variant.
Coding change: c.305T>C on transcript NM_006516.4 (MANE Select); coding-DNA position 305, T replaced by C.
Protein change: p.Leu102Pro; replaces leucine 102 with proline.
Molecular consequence: missense variant.
Genome position (GRCh38, 1-based): chr1:42,930,837, A>G on the plus strand (T>C on the coding strand, the complement: SLC2A1 is on the minus strand). VCF-style: chr1-42930837-A-G. GRCh37 (hg19) VCF-style: chr1-43396508-A-G.
Other names: short protein forms L102P.
Identifiers: ClinVar variation 2841599 (VCV002841599.3), dbSNP rs2524998300, ClinGen allele CA339961326.

ClinVar aggregate classification (germline): Uncertain significance (1 of 4 stars; one submission).

Conditions:
GLUT1 deficiency syndrome 1, autosomal recessive. Identifiers: MedGen C3149117.

Submission:

Labcorp Genetics (formerly Invitae), Labcorp
Classification: Uncertain significance for GLUT1 deficiency syndrome 1, autosomal recessive. Last evaluated: 2023-05-16. Review status: criteria provided, single submitter. Criteria: Invitae Variant Classification Sherloc (09022015). Collection method: clinical testing. Allele origin: germline.
Comment: In summary, the available evidence is currently insufficient to determine the role of this variant in disease. Therefore, it has been classified as a Variant of Uncertain Significance. Advanced modeling of protein sequence and biophysical properties (such as structural, functional, and spatial information, amino acid conservation, physicochemical variation, residue mobility, and thermodynamic stability) performed at Invitae indicates that this missense variant is expected to disrupt SLC2A1 protein function. This variant has not been reported in the literature in individuals affected with SLC2A1-related conditions. This variant is not present in population databases (gnomAD no frequency). This sequence change replaces leucine, which is neutral and non-polar, with proline, which is neutral and non-polar, at codon 102 of the SLC2A1 protein (p.Leu102Pro).